The following is an entry in ClinVar:

ClinVar aggregate classification (germline): Pathogenic (1 of 4 stars; one submission).

Conditions:
Neurofibromatosis, type 1 (NF1). Also called: NEUROFIBROMATOSIS, TYPE I, SOMATIC; VON RECKLINGHAUSEN DISEASE; Peripheral type neurofibromatosis; Neurofibromatosis, type I. Identifiers: Orphanet 636, MedGen C0027831, MONDO:0018975, OMIM 162200. Disease mechanism: loss of function.

Submission:

Labcorp Genetics (formerly Invitae), Labcorp
Classification: Pathogenic for Neurofibromatosis, type 1. Last evaluated: 2021-11-12. Review status: criteria provided, single submitter. Criteria: Invitae Variant Classification Sherloc (09022015). Collection method: clinical testing. Allele origin: germline.
Comment: For these reasons, this variant has been classified as Pathogenic. This variant has not been reported in the literature in individuals affected with NF1-related conditions. This variant is not present in population databases (gnomAD no frequency). This sequence change creates a premature translational stop signal (p.Ser1545Valfs*8) in the NF1 gene. It is expected to result in an absent or disrupted protein product. Loss-of-function variants in NF1 are known to be pathogenic (PMID: 10712197, 23913538).

Literature cited by the submitters: PubMed 10712197; PubMed 23913538.

NM_001042492.3(NF1):c.4696del (p.Ser1566fs)

Gene: NF1 (neurofibromin 1; plus strand). Cytogenetic location: 17q11.2.
Variant type: Deletion.
Coding change: c.4696del on transcript NM_001042492.3 (MANE Select); coding-DNA position 4696, one base deleted (A; older notation c.4696delA).
Protein change: p.Ser1566fs; shifts the reading frame from serine 1566.
Molecular consequence: frameshift variant.
Genome position (GRCh38, 1-based): chr17:31,261,829, A deleted. VCF-style (leftmost placement, unchanged base first): chr17-31261828-CA-C. GRCh37 (hg19) VCF-style: chr17-29588846-CA-C.
Other names: c.4633delA, p.Ser1545Valfs (NM_000267.4); short protein forms S1545fs, S1566fs.
Identifiers: ClinVar variation 1448747 (VCV001448747.6), dbSNP rs2151466481, ClinGen allele CA2573153658.